The following is an entry in ClinVar:

ClinVar aggregate classification (germline): Benign (1 of 4 stars; one submission).

Allele frequency attached by ClinVar (database versions not stated): 1000 Genomes Project 30x 0.04185; 1000 Genomes Project 0.04313; TOPMed 0.06467; gnomAD 0.06817 and 0.06899.
gnomAD v4.1: 10,429 of 152,184 alleles (6.9%); highest among the groups gnomAD compares: Non-Finnish European, 10%; 469 homozygotes.

Submission:

GeneDx
Classification: Benign. Last evaluated: 2018-06-16. Review status: criteria provided, single submitter. Criteria: GeneDx Variant Classification (06012015). Collection method: clinical testing. Allele origin: germline. Affected: yes.
Comment: This variant is considered likely benign or benign based on one or more of the following criteria: it is a conservative change, it occurs at a poorly conserved position in the protein, it is predicted to be benign by multiple in silico algorithms, and/or has population frequency not consistent with disease.

NM_004369.4(COL6A3):c.8966-318C>A

Gene: COL6A3 (collagen type VI alpha 3 chain; minus strand). Cytogenetic location: 2q37.3.
Variant type: single nucleotide variant.
Coding change: c.8966-318C>A on transcript NM_004369.4 (MANE Select); 318 bases into the intron before coding-DNA position 8966, C replaced by A.
Molecular consequence: intron variant.
Genome position (GRCh38, 1-based): chr2:237,335,207, G>T on the plus strand (C>A on the coding strand, the complement: COL6A3 is on the minus strand). VCF-style: chr2-237335207-G-T. GRCh37 (hg19) VCF-style: chr2-238243850-G-T.
Other names: c.7145-318C>A (NM_057166.5); c.8348-318C>A (NM_057167.4).
Identifiers: ClinVar variation 671334 (VCV000671334.1), dbSNP rs55837979, ClinGen allele CA11308287.